The following is an entry in ClinVar:

NM_000059.4(BRCA2):c.631+5T>C

Gene: BRCA2 (BRCA2 DNA repair associated; plus strand). Cytogenetic location: 13q13.1.
Variant type: single nucleotide variant.
Coding change: c.631+5T>C on transcript NM_000059.4 (MANE Select); 5 bases into the intron after coding-DNA position 631, T replaced by C.
Molecular consequence: intron variant.
Genome position (GRCh38, 1-based): chr13:32,326,618, T>C. VCF-style: chr13-32326618-T-C. GRCh37 (hg19) VCF-style: chr13-32900755-T-C.
Identifiers: ClinVar variation 1752800 (VCV001752800.3), dbSNP rs2548515858, ClinGen allele CA2580087042.

ClinVar aggregate classification (germline): Uncertain significance (1 of 4 stars; one submission).

Conditions:
Hereditary cancer-predisposing syndrome. Also called: Neoplastic Syndromes, Hereditary; Tumor predisposition; Hereditary Cancer Syndrome; Hereditary neoplastic syndrome. Identifiers: Orphanet 140162, MedGen C0027672, MeSH D009386, MONDO:0015356.

Submission:

Ambry Genetics
Classification: Uncertain significance for Hereditary cancer-predisposing syndrome. Last evaluated: 2023-06-06. Review status: criteria provided, single submitter. Criteria: Ambry Variant Classification Scheme 2023. Collection method: clinical testing. Allele origin: germline.
Comment: The c.631+5T>C intronic variant results from a T to C substitution 5 nucleotides after coding exon 6 in the BRCA2 gene. This nucleotide position is well conserved in available vertebrate species. In silico splice site analysis for this alteration is inconclusive. Since supporting evidence is limited at this time, the clinical significance of this alteration remains unclear.